The following is an entry in ClinVar:

NM_001291303.3(FAT4):c.3152A>C (p.Gln1051Pro)

Gene: FAT4 (FAT atypical cadherin 4; plus strand). Cytogenetic location: 4q28.1.
Variant type: single nucleotide variant.
Coding change: c.3152A>C on transcript NM_001291303.3 (MANE Select); coding-DNA position 3152, A replaced by C.
Protein change: p.Gln1051Pro; replaces glutamine 1051 with proline.
Molecular consequence: missense variant.
Genome position (GRCh38, 1-based): chr4:125,319,563, A>C. VCF-style: chr4-125319563-A-C. GRCh37 (hg19) VCF-style: chr4-126240718-A-C.
Other names: c.3152A>C, p.Gln1051Pro (NM_001291285.3, NM_024582.6); short protein forms Q1051P.
Identifiers: ClinVar variation 3701346 (VCV003701346.2).
Genomic context (GRCh38, chr4:125,319,563, plus strand): 5'-TTGCATACACCATTGCTGAAGGAAATACAGGGGATGCTTTTGGCATATTCCCAGATGGTC[A>C]ATTGTATATAAAAAGTGAACTGGACCGTGAACTTCAAGACAGATATGTTTTAATGGTTGT-3'
Protein context (NP_001278232.1, residues 1041-1061): GDAFGIFPDG[Gln1051Pro]LYIKSELDRE

ClinVar aggregate classification (germline): Uncertain significance (1 of 4 stars; one submission).

gnomAD v4.1: 26 of 1,614,038 alleles (0.0016%); highest among the groups gnomAD compares: Non-Finnish European, 0.0022%; no homozygotes.

Submission:

Labcorp Genetics (formerly Invitae), Labcorp
Classification: Uncertain significance. Last evaluated: 2024-11-15. Review status: criteria provided, single submitter. Criteria: Invitae Variant Classification Sherloc (09022015). Collection method: clinical testing. Allele origin: germline.
Comment: This sequence change replaces glutamine, which is neutral and polar, with proline, which is neutral and non-polar, at codon 1051 of the FAT4 protein (p.Gln1051Pro). This variant is present in population databases (no rsID available, gnomAD 0.007%). This variant has not been reported in the literature in individuals affected with FAT4-related conditions. Invitae Evidence Modeling of protein sequence and biophysical properties (such as structural, functional, and spatial information, amino acid conservation, physicochemical variation, residue mobility, and thermodynamic stability) indicates that this missense variant is expected to disrupt FAT4 protein function with a positive predictive value of 80%. In summary, the available evidence is currently insufficient to determine the role of this variant in disease. Therefore, it has been classified as a Variant of Uncertain Significance.